The following is an entry in ClinVar:

ClinVar aggregate classification (germline): Likely benign. Review status: criteria provided, multiple submitters, no conflicts (2 of 4 stars). 3 submissions from 3 submitters: Likely benign (3). Last evaluated 2026-05-11.

Conditions:
Familial sleep-related hypermotor epilepsy. Also called: Autosomal Dominant Sleep-Related Hypermotor (Hyperkinetic) Epilepsy. Identifiers: Orphanet 98784, MedGen C3696898, MONDO:0000030.
CHRNB2-related disorder. Also called: CHRNB2-related condition.

Allele frequency attached by ClinVar (database versions not stated): gnomAD 0.00001; TOPMed 0.00001.
gnomAD v4.1: 41 of 1,554,634 alleles (0.0026%); highest among the groups gnomAD compares: Non-Finnish European, 0.0033%; no homozygotes.

Submissions (3):

PreventionGenetics, part of Exact Sciences
Classification: Likely benign for CHRNB2-related condition. Last evaluated: 2026-05-11. Review status: criteria provided, single submitter. Criteria: ACMG Guidelines, 2015. Collection method: clinical testing. Allele origin: germline.
Comment: This variant is classified as likely benign based on ACMG/AMP sequence variant interpretation guidelines (Richards et al. 2015 PMID: 25741868, with internal and published modifications).

Labcorp Genetics (formerly Invitae), Labcorp
Classification: Likely benign. Last evaluated: 2025-08-15. Review status: criteria provided, single submitter. Criteria: Invitae Variant Classification Sherloc (09022015). Collection method: clinical testing. Allele origin: germline.

Blueprint Genetics
Classification: Likely benign. Last evaluated: 2022-09-23. Review status: criteria provided, single submitter. Criteria: ACMG Guidelines, 2015. Collection method: clinical testing. Allele origin: germline.

NM_000748.3(CHRNB2):c.1110C>G (p.Arg370=)

Gene: CHRNB2 (cholinergic receptor nicotinic beta 2 subunit; plus strand). Cytogenetic location: 1q21.3.
Variant type: single nucleotide variant.
Coding change: c.1110C>G on transcript NM_000748.3 (MANE Select); coding-DNA position 1110, C replaced by G.
Protein change: p.Arg370=; no amino-acid change (arginine 370 retained).
Molecular consequence: synonymous variant.
Genome position (GRCh38, 1-based): chr1:154,571,933, C>G. VCF-style: chr1-154571933-C-G. GRCh37 (hg19) VCF-style: chr1-154544409-C-G.
Other names: c.1110C>G (NM_000748.2).
Identifiers: ClinVar variation 1085113 (VCV001085113.11), dbSNP rs763983504, ClinGen allele CA1130831.